The following is an entry in ClinVar:

NM_020975.6(RET):c.3091G>A (p.Asp1031Asn)

Gene: RET (ret proto-oncogene; plus strand). Cytogenetic location: 10q11.21.
Variant type: single nucleotide variant.
Coding change: c.3091G>A on transcript NM_020975.6 (MANE Select); coding-DNA position 3091, G replaced by A.
Protein change: p.Asp1031Asn; replaces aspartic acid 1031 with asparagine.
Molecular consequence: missense variant.
Genome position (GRCh38, 1-based): chr10:43,126,626, G>A. VCF-style: chr10-43126626-G-A. GRCh37 (hg19) VCF-style: chr10-43622074-G-A.
Other names: c.2827G>A, p.Asp943Asn (NM_001406768.1); c.2695G>A, p.Asp899Asn (NM_001406769.1, NM_001406772.1); c.2803G>A, p.Asp935Asn (NM_001406770.1, NM_001406766.1, NM_001406767.1); c.2653G>A, p.Asp885Asn (NM_001406771.1, NM_001406773.1); c.2566G>A, p.Asp856Asn (NM_001406774.1); c.2365G>A, p.Asp789Asn (NM_001406775.1, NM_001406776.1, NM_001406777.1 and 1 more transcripts); c.2194G>A, p.Asp732Asn (NM_001406779.1, NM_001406780.1, NM_001406781.1 and 1 more transcripts); c.2065G>A, p.Asp689Asn (NM_001406783.1, NM_001406786.1); and 10 more; short protein forms D1031N, D777N, D636N, D732N, D789N, D687N, D701N, D856N.
Identifiers: ClinVar variation 543720 (VCV000543720.17), dbSNP rs200989078, ClinGen allele CA206267831.

ClinVar aggregate classification (germline): Uncertain significance. Review status: criteria provided, multiple submitters, no conflicts (2 of 4 stars). 6 submissions from 6 submitters: Uncertain significance (6). Last evaluated 2025-02-14.

Conditions:
Multiple endocrine neoplasia type 2A. Also called: Multiple Endocrine Neoplasia Type 2A (MEN2A); MULTIPLE ENDOCRINE NEOPLASIA, TYPE IIA; PTC SYNDROME; SIPPLE SYNDROME; MEN 2A; MEN-2A syndrome. Identifiers: Orphanet 247698, Orphanet 653, MedGen C0025268, MeSH D018813, MONDO:0008234, OMIM 171400.
Hereditary cancer-predisposing syndrome. Also called: Neoplastic Syndromes, Hereditary; Hereditary Cancer Syndrome; Hereditary neoplastic syndrome; Tumor predisposition. Identifiers: Orphanet 140162, MedGen C0027672, MeSH D009386, MONDO:0015356.
Multiple endocrine neoplasia, type 2 (MEN2). Identifiers: Orphanet 653, MedGen C4048306, MONDO:0019003. Disease mechanism: gain of function.

Allele frequency attached by ClinVar (database versions not stated): gnomAD 0.00001; gnomAD exomes 0.00001; TOPMed 0.00001; 1000 Genomes Project 30x 0.00016; 1000 Genomes Project 0.00020.
gnomAD v4.1: 4 of 1,614,028 alleles (0.00025%); highest among the groups gnomAD compares: East Asian, 0.0022%; no homozygotes.

Submissions (6):

GeneDx
Classification: Uncertain significance. Last evaluated: 2025-02-14. Review status: criteria provided, single submitter. Criteria: GeneDx Variant Classification Process June 2021. Collection method: clinical testing. Allele origin: germline. Affected: yes.
Comment: Not observed at significant frequency in large population cohorts (gnomAD); In silico analysis supports that this missense variant has a deleterious effect on protein structure/function; Has not been previously published as pathogenic or benign to our knowledge; This variant is associated with the following publications: (PMID: 14633923)

Ambry Genetics
Classification: Uncertain significance for Hereditary cancer-predisposing syndrome. Last evaluated: 2024-12-12. Review status: criteria provided, single submitter. Criteria: Ambry Variant Classification Scheme 2023. Collection method: clinical testing. Allele origin: germline.
Comment: The p.D1031N variant (also known as c.3091G>A), located in coding exon 19 of the RET gene, results from a G to A substitution at nucleotide position 3091. The aspartic acid at codon 1031 is replaced by asparagine, an amino acid with highly similar properties. This amino acid position is highly conserved in available vertebrate species. In addition, this alteration is predicted to be tolerated by in silico analysis. Since supporting evidence is limited at this time, the clinical significance of this alteration remains unclear.

All of Us Research Program, National Institutes of Health
Classification: Uncertain significance for Multiple endocrine neoplasia, type 2. Last evaluated: 2023-10-06. Review status: criteria provided, single submitter. Criteria: ACMG Guidelines, 2015. Collection method: clinical testing. Allele origin: germline. Inheritance: Autosomal dominant inheritance. Observed: 1 variant allele, 1 heterozygote.
Comment: This missense variant replaces aspartic acid with asparagine at codon 1031 of the RET protein. Computational prediction suggests that this variant may not impact protein structure and function (internally defined REVEL score threshold <= 0.5, PMID: 27666373). To our knowledge, functional studies have not been reported for this variant. This variant has not been reported in individuals affected with hereditary cancer in the literature. This variant has been identified in 2/251478 chromosomes in the general population by the Genome Aggregation Database (gnomAD). The available evidence is insufficient to determine the role of this variant in disease conclusively. Therefore, this variant is classified as a Variant of Uncertain Significance.

This study involves interpretation of variants in research participants for the purpose of population health screening. Participant phenotype was not available at the time of variant classification. Additional details can be found in publication PMID: 35346344, PMCID: PMC8962531

Color Diagnostics, LLC DBA Color Health
Classification: Uncertain significance for Multiple endocrine neoplasia, type 2. Last evaluated: 2023-09-29. Review status: criteria provided, single submitter. Criteria: ACMG Guidelines, 2015. Collection method: clinical testing. Allele origin: germline.
Comment: This missense variant replaces aspartic acid with asparagine at codon 1031 of the RET protein. Computational prediction suggests that this variant may not impact protein structure and function. To our knowledge, functional studies have not been reported for this variant. This variant has not been reported in individuals affected with hereditary cancer in the literature. This variant has been identified in 2/251478 chromosomes in the general population by the Genome Aggregation Database (gnomAD). The available evidence is insufficient to determine the role of this variant in disease conclusively. Therefore, this variant is classified as a Variant of Uncertain Significance.

Labcorp Genetics (formerly Invitae), Labcorp
Classification: Uncertain significance for Multiple endocrine neoplasia, type 2. Last evaluated: 2023-05-08. Review status: criteria provided, single submitter. Criteria: Invitae Variant Classification Sherloc (09022015). Collection method: clinical testing. Allele origin: germline.
Comment: In summary, the available evidence is currently insufficient to determine the role of this variant in disease. Therefore, it has been classified as a Variant of Uncertain Significance. An algorithm developed to predict the effect of missense changes on protein structure and function (PolyPhen-2) suggests that this variant is likely to be disruptive. ClinVar contains an entry for this variant (Variation ID: 543720). This variant has not been reported in the literature in individuals affected with RET-related conditions. This variant is present in population databases (rs200989078, gnomAD 0.002%). This sequence change replaces aspartic acid, which is acidic and polar, with asparagine, which is neutral and polar, at codon 1031 of the RET protein (p.Asp1031Asn).

Mendelics
Classification: Uncertain significance for Multiple endocrine neoplasia type 2A. Last evaluated: 2019-05-28. Review status: criteria provided, single submitter. Criteria: Mendelics Assertion Criteria 2017. Collection method: clinical testing. Allele origin: unknown.